The following is an entry in ClinVar:

ClinVar aggregate classification (germline): Uncertain significance (1 of 4 stars; one submission).

Allele frequency attached by ClinVar (database versions not stated): gnomAD exomes below 0.00001.
gnomAD v4.1: 2 of 1,605,390 alleles (0.00012%); highest among the groups gnomAD compares: Non-Finnish European, 0.00017%; no homozygotes.

Submission:

Laboratory for Molecular Medicine, Mass General Brigham Personalized Medicine
Classification: Uncertain significance. Last evaluated: 2015-10-10. Review status: criteria provided, single submitter. Criteria: LMM Criteria. Collection method: clinical testing. Allele origin: germline. Observed: 1 variant allele.
Comment: The p.Ile261Leu variant in CDH23 has not been previously reported in individuals with hearing loss. Data from large population studies is insufficient to assess the frequency of this variant. Computational prediction tools and conservation analyses do not provide strong support for or against an impact to the protein. In summary, the clinical significance of the p.Ile261Leu variant is uncertain.

NM_022124.6(CDH23):c.781A>C (p.Ile261Leu)

Gene: CDH23 (cadherin related 23; plus strand). Cytogenetic location: 10q22.1.
Variant type: single nucleotide variant.
Coding change: c.781A>C on transcript NM_022124.6 (MANE Select); coding-DNA position 781, A replaced by C.
Protein change: p.Ile261Leu; replaces isoleucine 261 with leucine.
Molecular consequence: missense variant.
Genome position (GRCh38, 1-based): chr10:71,577,941, A>C. VCF-style: chr10-71577941-A-C. GRCh37 (hg19) VCF-style: chr10-73337698-A-C.
Other names: c.781A>C, p.Ile261Leu (NM_001171930.2, NM_001171931.2, NM_001171932.2 and 1 more transcripts); short protein forms I261L.
Identifiers: ClinVar variation 228501 (VCV000228501.4), dbSNP rs876657757, ClinGen allele CA10576805.